The following is an entry in ClinVar:

ClinVar aggregate classification (germline): Uncertain significance (1 of 4 stars; one submission).

gnomAD v4.1: 1 of 1,614,240 alleles (0.000062%); no homozygotes.

Submission:

Dasa
Classification: Uncertain significance. Last evaluated: 2025-02-20. Review status: criteria provided, single submitter. Criteria: DASA Assertion Criteria. Collection method: clinical testing. Allele origin: germline.
Comment: NM_020754.4(ARHGAP31):c.602A>G (p.Gln201Arg) is a missense variant that results in the substitution of glutamine with arginine. This variant is rare in population databases. The currently available literature and clinical evidence are not sufficient to establish a definitive association between this variant and the reported condition. Therefore, this variant is classified as a variant of uncertain significance.

NM_020754.4(ARHGAP31):c.602A>G (p.Gln201Arg)

Gene: ARHGAP31 (Rho GTPase activating protein 31; plus strand). Cytogenetic location: 3q13.33.
Variant type: single nucleotide variant.
Coding change: c.602A>G on transcript NM_020754.4 (MANE Select); coding-DNA position 602, A replaced by G.
Protein change: p.Gln201Arg; replaces glutamine 201 with arginine.
Molecular consequence: missense variant.
Genome position (GRCh38, 1-based): chr3:119,383,146, A>G. VCF-style: chr3-119383146-A-G. GRCh37 (hg19) VCF-style: chr3-119101993-A-G.
Other names: short protein forms Q201R.
Identifiers: ClinVar variation 5020996 (VCV005020996.1).